The following is an entry in ClinVar:

NM_004360.5(CDH1):c.245T>G (p.Val82Gly)

Gene: CDH1 (cadherin 1; plus strand). Cytogenetic location: 16q22.1.
Variant type: single nucleotide variant.
Coding change: c.245T>G on transcript NM_004360.5 (MANE Select); coding-DNA position 245, T replaced by G.
Protein change: p.Val82Gly; replaces valine 82 with glycine.
Molecular consequence: missense variant. On other transcripts: 5 prime UTR variant (2).
Genome position (GRCh38, 1-based): chr16:68,801,751, T>G. VCF-style: chr16-68801751-T-G. GRCh37 (hg19) VCF-style: chr16-68835654-T-G.
Other names: c.245T>G, p.Val82Gly (NM_001317184.2); c.-1371T>G (NM_001317185.2); c.-1575T>G (NM_001317186.2); c.245T>G (NM_004360.3); short protein forms V82G.
Identifiers: ClinVar variation 1022254 (VCV001022254.13), dbSNP rs942284129, ClinGen allele CA283291324.

ClinVar aggregate classification (germline): Conflicting classifications of pathogenicity. Review status: criteria provided, conflicting classifications (1 of 4 stars). 3 submissions from 3 submitters: Uncertain significance (2); Likely benign (1). Last evaluated 2026-09-08.

Conditions:
Hereditary cancer-predisposing syndrome. Also called: Tumor predisposition; Hereditary Cancer Syndrome; Hereditary neoplastic syndrome; Neoplastic Syndromes, Hereditary. Identifiers: Orphanet 140162, MedGen C0027672, MeSH D009386, MONDO:0015356.
Familial cancer of breast. Also called: Hereditary breast cancer; hereditary breast carcinoma; BREAST CANCER, FAMILIAL. Identifiers: Orphanet 227535, MedGen C0346153, MONDO:0016419, OMIM 114480. Disease mechanism: loss of function.
Hereditary diffuse gastric adenocarcinoma (HDGC). Also called: DIFFUSE GASTRIC AND LOBULAR BREAST CANCER SYNDROME. Identifiers: Orphanet 26106, MedGen C1708349, MONDO:0007648, OMIM 137215.

Allele frequency attached by ClinVar (database versions not stated): gnomAD 0.00001; TOPMed below 0.00001.
gnomAD v4.1: 2 of 1,614,050 alleles (0.00012%); highest among the groups gnomAD compares: African/African-American, 0.0013%; no homozygotes.

Submissions (3):

Ambry Genetics
Classification: Likely benign for Hereditary cancer-predisposing syndrome. Last evaluated: 2026-09-08. Review status: criteria provided, single submitter. Criteria: Ambry Variant Classification Scheme 2023. Collection method: clinical testing. Allele origin: germline.

Baylor Genetics
Classification: Uncertain significance for Familial cancer of breast. Last evaluated: 2023-11-07. Review status: criteria provided, single submitter. Criteria: ACMG Guidelines, 2015. Collection method: clinical testing. Allele origin: unknown.

Labcorp Genetics (formerly Invitae), Labcorp
Classification: Uncertain significance for Hereditary diffuse gastric adenocarcinoma. Last evaluated: 2020-12-08. Review status: criteria provided, single submitter. Criteria: Invitae Variant Classification Sherloc (09022015). Collection method: clinical testing. Allele origin: germline.
Comment: In summary, the available evidence is currently insufficient to determine the role of this variant in disease. Therefore, it has been classified as a Variant of Uncertain Significance. Algorithms developed to predict the effect of missense changes on protein structure and function are either unavailable or do not agree on the potential impact of this missense change (SIFT: "Deleterious"; PolyPhen-2: "Possibly Damaging"; Align-GVGD: "Class C0"). This variant has not been reported in the literature in individuals with CDH1-related conditions. This variant is not present in population databases (ExAC no frequency). This sequence change replaces valine with glycine at codon 82 of the CDH1 protein (p.Val82Gly). The valine residue is moderately conserved and there is a moderate physicochemical difference between valine and glycine.